The following is an entry in ClinVar:

ClinVar aggregate classification (germline): Uncertain significance (1 of 4 stars; one submission).

Conditions:
Pontocerebellar hypoplasia type 9. Identifiers: Orphanet 369920, MedGen C4014354, MONDO:0014351, OMIM 615809.
Hereditary spastic paraplegia 63. Also called: Spastic paraplegia 63, autosomal recessive. Identifiers: Orphanet 401805, MedGen C3810295, MONDO:0014305, OMIM 615686.

Allele frequency attached by ClinVar (database versions not stated): gnomAD exomes 0.00001; ExAC 0.00002; gnomAD 0.00005; TOPMed 0.00006; ESP Exome Variant Server 0.00008; 1000 Genomes Project 30x 0.00016; 1000 Genomes Project 0.00020.
gnomAD v4.1: 28 of 1,614,058 alleles (0.0017%); highest among the groups gnomAD compares: African/African-American, 0.017%; no homozygotes.

Submission:

Labcorp Genetics (formerly Invitae), Labcorp
Classification: Uncertain significance for Pontocerebellar hypoplasia type 9; Hereditary spastic paraplegia 63. Last evaluated: 2022-06-13. Review status: criteria provided, single submitter. Criteria: Invitae Variant Classification Sherloc (09022015). Collection method: clinical testing. Allele origin: germline.
Comment: This variant is present in population databases (rs138073893, gnomAD 0.01%). In summary, the available evidence is currently insufficient to determine the role of this variant in disease. Therefore, it has been classified as a Variant of Uncertain Significance. Algorithms developed to predict the effect of missense changes on protein structure and function (SIFT, PolyPhen-2, Align-GVGD) all suggest that this variant is likely to be tolerated. This variant has not been reported in the literature in individuals affected with AMPD2-related conditions. This sequence change replaces arginine, which is basic and polar, with histidine, which is basic and polar, at codon 452 of the AMPD2 protein (p.Arg452His).

NM_001368809.2(AMPD2):c.1193G>A (p.Arg398His)

Genes: AMPD2 (adenosine monophosphate deaminase 2; plus strand), LOC126805822 (BRD4-independent group 4 enhancer GRCh37_chr1:110170748-110171947; plus strand). Cytogenetic location: 1p13.3.
Variant type: single nucleotide variant.
Coding change: c.1193G>A on transcript NM_001368809.2 (MANE Select); coding-DNA position 1193, G replaced by A.
Protein change: p.Arg398His; replaces arginine 398 with histidine.
Molecular consequence: missense variant.
Genome position (GRCh38, 1-based): chr1:109,628,195, G>A. VCF-style: chr1-109628195-G-A. GRCh37 (hg19) VCF-style: chr1-110170817-G-A.
Other names: c.1001G>A, p.Arg334His (NM_001257361.2); c.1130G>A, p.Arg377His (NM_001308170.1); c.1193G>A, p.Arg398His (NM_004037.9); c.1112G>A, p.Arg371His (NM_139156.4); short protein forms R371H, R398H, R377H, R334H.
Identifiers: ClinVar variation 1349466 (VCV001349466.6), dbSNP rs138073893, ClinGen allele CA993041.